The following is an entry in ClinVar:

NM_001371596.2(MFSD8):c.656T>C (p.Phe219Ser)

Gene: MFSD8 (major facilitator superfamily domain containing 8; minus strand). Cytogenetic location: 4q28.2.
Variant type: single nucleotide variant.
Coding change: c.656T>C on transcript NM_001371596.2 (MANE Select); coding-DNA position 656, T replaced by C.
Protein change: p.Phe219Ser; replaces phenylalanine 219 with serine.
Molecular consequence: missense variant. On other transcripts: intron variant (5).
Genome position (GRCh38, 1-based): chr4:127,939,895, A>G on the plus strand (T>C on the coding strand, the complement: MFSD8 is on the minus strand). VCF-style: chr4-127939895-A-G. GRCh37 (hg19) VCF-style: chr4-128861050-A-G.
Other names: p.F219S:TTC>TCC; c.553+2150T>C (NM_001363520.3); c.554-1059T>C (NM_001371594.2); c.521T>C, p.Phe174Ser (NM_001371590.2); c.656T>C, p.Phe219Ser (NM_001371591.2, NM_152778.4); c.662T>C, p.Phe221Ser (NM_001371592.2); c.542T>C, p.Phe181Ser (NM_001371593.2, NM_001410766.1); c.419-1059T>C (NM_001371595.1); and 2 more; short protein forms F219S, F174S, F181S, F221S.
Identifiers: ClinVar variation 198618 (VCV000198618.24), dbSNP rs112734134, ClinGen allele CA247376.

ClinVar aggregate classification (germline): Conflicting classifications of pathogenicity. Review status: criteria provided, conflicting classifications (1 of 4 stars). 7 submissions from 7 submitters: Uncertain significance (4); Likely benign (2). 1 of the submissions does not count toward it. Last evaluated 2025-08-05.

Conditions:
MFSD8-related disorder. Also called: MFSD8-related condition.
Inborn genetic diseases. Identifiers: MedGen C0950123, MeSH D030342.
Late-infantile neuronal ceroid lipofuscinosis. Also called: Jansky-Bielschowsky disease. Identifiers: MedGen C0022340, MONDO:0015674.
Neuronal ceroid lipofuscinosis 7 (CLN7). Also called: MFSD8-Related Neuronal Ceroid-Lipofuscinosis. Identifiers: Orphanet 168491, Orphanet 228366, MedGen C1838571, MONDO:0012588, OMIM 610951.

Allele frequency attached by ClinVar (database versions not stated): gnomAD exomes 0.00005 and 0.00010; ExAC 0.00011; 1000 Genomes Project 30x 0.00047; gnomAD 0.00048; TOPMed 0.00059; 1000 Genomes Project 0.00060; ESP Exome Variant Server 0.00069.
gnomAD v4.1: 153 of 1,613,540 alleles (0.0095%); highest among the groups gnomAD compares: African/African-American, 0.17%; 1 homozygote.

Submissions (7):

GeneDx
Classification: Uncertain significance. Last evaluated: 2025-08-05. Review status: criteria provided, single submitter. Criteria: GeneDx Variant Classification Process June 2021. Collection method: clinical testing. Allele origin: germline. Affected: yes.
Comment: In silico analysis supports that this missense variant has a deleterious effect on protein structure/function; Has not been previously published as pathogenic or benign to our knowledge

Labcorp Genetics (formerly Invitae), Labcorp
Classification: Uncertain significance for Neuronal ceroid lipofuscinosis 7. Last evaluated: 2025-02-03. Review status: criteria provided, single submitter. Criteria: Invitae Variant Classification Sherloc (09022015). Collection method: clinical testing. Allele origin: germline.
Comment: This sequence change replaces phenylalanine, which is neutral and non-polar, with serine, which is neutral and polar, at codon 219 of the MFSD8 protein (p.Phe219Ser). This variant is present in population databases (rs112734134, gnomAD 0.2%). This variant has not been reported in the literature in individuals affected with MFSD8-related conditions. ClinVar contains an entry for this variant (Variation ID: 198618). Invitae Evidence Modeling of protein sequence and biophysical properties (such as structural, functional, and spatial information, amino acid conservation, physicochemical variation, residue mobility, and thermodynamic stability) indicates that this missense variant is not expected to disrupt MFSD8 protein function with a negative predictive value of 80%. In summary, the available evidence is currently insufficient to determine the role of this variant in disease. Therefore, it has been classified as a Variant of Uncertain Significance.

Ambry Genetics
Classification: Uncertain significance for Inborn genetic diseases. Last evaluated: 2024-11-13. Review status: criteria provided, single submitter. Criteria: Ambry Variant Classification Scheme 2023. Collection method: clinical testing. Allele origin: germline.

Blueprint Genetics
Classification: Likely benign. Last evaluated: 2024-11-13. Review status: criteria provided, single submitter. Criteria: ACMG Guidelines, 2015. Collection method: clinical testing. Allele origin: germline.

PreventionGenetics, part of Exact Sciences
Classification: Likely benign for MFSD8-related condition. Last evaluated: 2024-10-22. Review status: criteria provided, single submitter. Criteria: ACMG Guidelines, 2015. Collection method: clinical testing. Allele origin: germline.
Comment: This variant is classified as likely benign based on ACMG/AMP sequence variant interpretation guidelines (Richards et al. 2015 PMID: 25741868, with internal and published modifications).

Eurofins Ntd Llc (ga)
Classification: Uncertain significance. Last evaluated: 2016-11-15. Review status: criteria provided, single submitter. Criteria: EGL Classification Definitions 2015. Collection method: clinical testing. Allele origin: germline. Observed: 3 variant alleles, 3 heterozygotes.

Natera, Inc.
Classification: Uncertain significance for Late-infantile neuronal ceroid lipofuscinosis. Last evaluated: 2020-01-24. Review status: no assertion criteria provided. Collection method: clinical testing. Allele origin: germline. Not counted in ClinVar's aggregate classification.